The following is an entry in ClinVar:

ClinVar aggregate classification (germline): Uncertain significance (1 of 4 stars; one submission).

Conditions:
Left ventricular noncompaction 8 (LVNC8). Identifiers: Orphanet 154, Orphanet 54260, MedGen C3809288, MONDO:0014152, OMIM 615373.

Submission:

Labcorp Genetics (formerly Invitae), Labcorp
Classification: Uncertain significance for Left ventricular noncompaction 8. Last evaluated: 2024-04-13. Review status: criteria provided, single submitter. Criteria: Invitae Variant Classification Sherloc (09022015). Collection method: clinical testing. Allele origin: germline.
Comment: This sequence change replaces proline, which is neutral and non-polar, with alanine, which is neutral and non-polar, at codon 924 of the PRDM16 protein (p.Pro924Ala). This variant is not present in population databases (gnomAD no frequency). This variant has not been reported in the literature in individuals affected with PRDM16-related conditions. An algorithm developed to predict the effect of missense changes on protein structure and function (PolyPhen-2) suggests that this variant is likely to be tolerated. In summary, the available evidence is currently insufficient to determine the role of this variant in disease. Therefore, it has been classified as a Variant of Uncertain Significance.

NM_022114.4(PRDM16):c.2770C>G (p.Pro924Ala)

Gene: PRDM16 (PR/SET domain 16; plus strand). Cytogenetic location: 1p36.32.
Variant type: single nucleotide variant.
Coding change: c.2770C>G on transcript NM_022114.4 (MANE Select); coding-DNA position 2770, C replaced by G.
Protein change: p.Pro924Ala; replaces proline 924 with alanine.
Molecular consequence: missense variant.
Genome position (GRCh38, 1-based): chr1:3,417,906, C>G. VCF-style: chr1-3417906-C-G. GRCh37 (hg19) VCF-style: chr1-3334470-C-G.
Other names: c.2770C>G, p.Pro924Ala (NM_199454.3); short protein forms P924A.
Identifiers: ClinVar variation 3648966 (VCV003648966.2).